The following is an entry in ClinVar:

NM_001144967.3(NEDD4L):c.1337G>A (p.Ser446Asn)

Gene: NEDD4L (NEDD4 like E3 ubiquitin protein ligase; plus strand). Cytogenetic location: 18q21.31.
Variant type: single nucleotide variant.
Coding change: c.1337G>A on transcript NM_001144967.3 (MANE Select); coding-DNA position 1337, G replaced by A.
Protein change: p.Ser446Asn; replaces serine 446 with asparagine.
Molecular consequence: missense variant.
Genome position (GRCh38, 1-based): chr18:58,341,757, G>A. VCF-style: chr18-58341757-G-A. GRCh37 (hg19) VCF-style: chr18-56008989-G-A.
Other names: c.974G>A, p.Ser325Asn (NM_001144964.1, NM_001144965.2, NM_001144966.3); c.1313G>A, p.Ser438Asn (NM_001144968.2); c.1253G>A, p.Ser418Asn (NM_001144969.2); c.914G>A, p.Ser305Asn (NM_001144970.3, NM_001144971.2); c.1145G>A, p.Ser382Asn (NM_001243960.2); c.2174G>A, p.Ser725Asn (NM_001437337.1); c.1277G>A, p.Ser426Asn (NM_015277.6); short protein forms S305N, S325N, S382N, S418N, S426N, S438N, S446N, S725N.
Identifiers: ClinVar variation 5041513 (VCV005041513.1).

ClinVar aggregate classification (germline): Uncertain significance (1 of 4 stars; one submission).

Submission:

CeGaT Center for Human Genetics Tuebingen
Classification: Uncertain significance. Last evaluated: 2026-09-01. Review status: criteria provided, single submitter. Criteria: CeGaT Center For Human Genetics Tuebingen Variant Classification Criteria Version 2. Collection method: clinical testing. Allele origin: germline. Affected: yes. Observed: 1 variant allele.
Comment: NEDD4L: PM2